The following is an entry in ClinVar:

ClinVar aggregate classification (germline): Conflicting classifications of pathogenicity. Review status: criteria provided, conflicting classifications (1 of 4 stars). 3 submissions from 3 submitters: Uncertain significance (1); Likely benign (2). Last evaluated 2026-01-07.

Conditions:
Inborn genetic diseases. Identifiers: MedGen C0950123, MeSH D030342.

Allele frequency attached by ClinVar (database versions not stated): ExAC 0.00001; gnomAD exomes 0.00001; gnomAD 0.00002; TOPMed 0.00003.
gnomAD v4.1: 11 of 1,611,376 alleles (0.00068%); highest among the groups gnomAD compares: African/African-American, 0.0013%; no homozygotes.

Submissions (3):

Women's Health and Genetics/Laboratory Corporation of America, LabCorp
Classification: Uncertain significance. Last evaluated: 2026-01-07. Review status: criteria provided, single submitter. Criteria: LabCorp Variant Classification Summary - May 2015. Collection method: clinical testing. Allele origin: germline.
Comment: Variant summary: KAT6A c.4801A>G (p.Ser1601Gly) results in a non-conservative amino acid change in the encoded protein sequence. Algorithms developed to predict the effect of missense changes on protein structure and function are either unavailable or do not agree on the potential impact of this missense change. The variant allele was found at a frequency of 1.6e-05 in 249280 control chromosomes. The available data on variant occurrences in the general population are insufficient to allow any conclusion about variant significance. To our knowledge, no occurrence of c.4801A>G in individuals affected with KAT6A-related conditions and no experimental evidence demonstrating its impact on protein function have been reported. ClinVar contains an entry for this variant (Variation ID: 1743201). Based on the evidence outlined above, the variant was classified as uncertain significance.

Labcorp Genetics (formerly Invitae), Labcorp
Classification: Likely benign. Last evaluated: 2024-12-19. Review status: criteria provided, single submitter. Criteria: Invitae Variant Classification Sherloc (09022015). Collection method: clinical testing. Allele origin: germline.

Ambry Genetics
Classification: Likely benign for Inborn genetic diseases. Last evaluated: 2018-09-11. Review status: criteria provided, single submitter. Criteria: Ambry Variant Classification Scheme 2023. Collection method: clinical testing. Allele origin: germline.

NM_006766.5(KAT6A):c.4801A>G (p.Ser1601Gly)

Gene: KAT6A (lysine acetyltransferase 6A; minus strand). Cytogenetic location: 8p11.21.
Variant type: single nucleotide variant.
Coding change: c.4801A>G on transcript NM_006766.5 (MANE Select); coding-DNA position 4801, A replaced by G.
Protein change: p.Ser1601Gly; replaces serine 1601 with glycine.
Molecular consequence: missense variant.
Genome position (GRCh38, 1-based): chr8:41,933,419, T>C on the plus strand (A>G on the coding strand, the complement: KAT6A is on the minus strand). VCF-style: chr8-41933419-T-C. GRCh37 (hg19) VCF-style: chr8-41790937-T-C.
Other names: short protein forms S1601G.
Identifiers: ClinVar variation 1743201 (VCV001743201.6), dbSNP rs753768766, ClinGen allele CA4729424.